The following is an entry in ClinVar:

NM_000046.5(ARSB):c.1342G>A (p.Gly448Ser)

Gene: ARSB (arylsulfatase B; minus strand). Cytogenetic location: 5q14.1.
Variant type: single nucleotide variant.
Coding change: c.1342G>A on transcript NM_000046.5 (MANE Select); coding-DNA position 1342, G replaced by A.
Protein change: p.Gly448Ser; replaces glycine 448 with serine.
Molecular consequence: missense variant.
Genome position (GRCh38, 1-based): chr5:78,780,657, C>T on the plus strand (G>A on the coding strand, the complement: ARSB is on the minus strand). VCF-style: chr5-78780657-C-T. GRCh37 (hg19) VCF-style: chr5-78076480-C-T.
Other names: short protein forms G448S.
Identifiers: ClinVar variation 2142101 (VCV002142101.1), dbSNP rs764825534, ClinGen allele CA3317999.

ClinVar aggregate classification (germline): Uncertain significance (1 of 4 stars; one submission).

Conditions:
Mucopolysaccharidosis type 6 (MPS6). Also called: MPS 6; Maroteaux Lamy syndrome; MPS VI; N-ACETYLGALACTOSAMINE-4-SULFATASE DEFICIENCY; ARSB DEFICIENCY; ARYLSULFATASE B DEFICIENCY. Identifiers: Orphanet 583, MedGen C0026709, MONDO:0009661, OMIM 253200.

Allele frequency attached by ClinVar (database versions not stated): gnomAD exomes below 0.00001; TOPMed below 0.00001; ExAC 0.00001; gnomAD 0.00001.
gnomAD v4.1: 9 of 1,613,856 alleles (0.00056%); highest among the groups gnomAD compares: African/African-American, 0.0093%; 1 homozygote.

Submission:

Labcorp Genetics (formerly Invitae), Labcorp
Classification: Uncertain significance for Mucopolysaccharidosis type 6. Last evaluated: 2022-05-31. Review status: criteria provided, single submitter. Criteria: Invitae Variant Classification Sherloc (09022015). Collection method: clinical testing. Allele origin: germline.
Comment: This sequence change replaces glycine, which is neutral and non-polar, with serine, which is neutral and polar, at codon 448 of the ARSB protein (p.Gly448Ser). This variant is present in population databases (rs764825534, gnomAD 0.004%). This variant has not been reported in the literature in individuals affected with ARSB-related conditions. Advanced modeling of protein sequence and biophysical properties (such as structural, functional, and spatial information, amino acid conservation, physicochemical variation, residue mobility, and thermodynamic stability) performed at Invitae indicates that this missense variant is not expected to disrupt ARSB protein function. In summary, the available evidence is currently insufficient to determine the role of this variant in disease. Therefore, it has been classified as a Variant of Uncertain Significance.